The following is an entry in ClinVar:

ClinVar aggregate classification (germline): Uncertain significance (1 of 4 stars; one submission).

Conditions:
Hereditary cancer-predisposing syndrome. Also called: Neoplastic Syndromes, Hereditary; Tumor predisposition; Hereditary Cancer Syndrome; Hereditary neoplastic syndrome. Identifiers: Orphanet 140162, MedGen C0027672, MeSH D009386, MONDO:0015356.

Submission:

Ambry Genetics
Classification: Uncertain significance for Hereditary cancer-predisposing syndrome. Last evaluated: 2026-05-14. Review status: criteria provided, single submitter. Criteria: Ambry Variant Classification Scheme 2023. Collection method: clinical testing. Allele origin: germline.
Comment: The p.D297Y variant (also known as c.889G>T), located in coding exon 5 of the MEN1 gene, results from a G to T substitution at nucleotide position 889. The aspartic acid at codon 297 is replaced by tyrosine, an amino acid with highly dissimilar properties. This amino acid position is conserved. In addition, the in silico prediction for this alteration is inconclusive. Based on the available evidence, the clinical significance of this variant remains unclear.

NM_001370259.2(MEN1):c.889G>T (p.Asp297Tyr)

Gene: MEN1 (menin 1; minus strand). Cytogenetic location: 11q13.1.
Variant type: single nucleotide variant.
Coding change: c.889G>T on transcript NM_001370259.2 (MANE Select); coding-DNA position 889, G replaced by T.
Protein change: p.Asp297Tyr; replaces aspartic acid 297 with tyrosine.
Molecular consequence: missense variant. On other transcripts: non-coding transcript variant (4).
Genome position (GRCh38, 1-based): chr11:64,807,034, C>A on the plus strand (G>T on the coding strand, the complement: MEN1 is on the minus strand). VCF-style: chr11-64807034-C-A. GRCh37 (hg19) VCF-style: chr11-64574506-C-A.
Other names: c.889G>T, p.Asp297Tyr (NM_001370260.2, NM_001370261.2, NM_001407142.1 and 7 more transcripts); c.784G>T, p.Asp262Tyr (NM_001370262.2, NM_001370263.2, NM_001407148.1 and 2 more transcripts); c.904G>T, p.Asp302Tyr (NM_001407145.1, NM_001407150.1, NM_130800.3 and 5 more transcripts); short protein forms D262Y, D297Y, D302Y.
Identifiers: ClinVar variation 4859909 (VCV004859909.1).
Genomic context (GRCh38, chr11:64,807,034, plus strand): 5'-AGGGTCTCCCTTCTGCACCCTCCTTAGATGCCCCCACCTTGTGGTAGAGGGTGAGTGGGT[C>A]TGGCCGGCCAGGGGTGGGCTCCAGCTCCTCTAGATCTGCCAGGTTCCCTAAGGCCATGGG-3'
Protein context (NP_001357188.2, residues 287-307): EELEPTPGRP[Asp297Tyr]PLTLYHKGIA